The following is an entry in ClinVar:

ClinVar aggregate classification (germline): Uncertain significance (1 of 4 stars; one submission).

Submission:

Clinical Genomics Laboratory, Laboratory for Precision Diagnostics, University of Washington
Classification: Uncertain significance. Last evaluated: 2021-10-24. Review status: criteria provided, single submitter. Criteria: ACMG/ClinGen CNV Guidelines, 2019. Collection method: clinical testing. Allele origin: unknown. Affected: yes. Observed: 1 variant allele.
Comment: This recurrent duplication is approximately 1.2 Mb in size and includes 13 protein-coding genes, including NF1. None of the genes in this region are known to cause medical problems in humans when an extra copy is present (triplosensitivity). However, at least ten independent families with this duplication have been reported in the medical literature. The clinical features that are observed in many people with this duplication are developmental delay/intellectual disability and mild facial dysmorphisms. Other clinical findings have also been reported, but not consistently. Many of these 17q11.2 duplications are inherited, and some individuals with this duplication are unaffected carriers. A review of case-control studies shows that this duplication is found more often in people with health problems compared to controls. This duplication does not appear in control populations (Database of Genomic Variants (DGV) or gnomAD). Due to the limited number of reported cases, the phenotypic non-specificity and variability, and the presence of this duplication in unaffected carriers, it is unclear if this duplication is benign or pathogenic but with reduced penetrance and variable expressivity.

Literature cited by the submitters: PubMed 28605748; PubMed 23424688.

GRCh38/hg38 17q11.2(chr17:30759639-31945607)x3

Genes: ADAP2 (ArfGAP with dual PH domains 2; plus strand), ATAD5 (ATPase family AAA domain containing 5; plus strand), COPRS (coordinator of PRMT5 and differentiation stimulator; minus strand), CRLF3 (cytokine receptor like factor 3; minus strand), EVI2A (ecotropic viral integration site 2A; minus strand) and 59 more. Cytogenetic location: 17q11.2.
Variant type: copy number gain.
Change: copy number 3 (three copies instead of two) of chr17:30,759,639-31,945,607 (1.19 Mb, GRCh38 coordinates, 1-based), cytogenetic band 17q11.2.
Identifiers: ClinVar variation 4755363 (VCV004755363.1).